The following is an entry in ClinVar:

ClinVar aggregate classification (germline): Uncertain significance (1 of 4 stars; one submission).

gnomAD v4.1: 2 of 1,614,084 alleles (0.00012%); highest among the groups gnomAD compares: Non-Finnish European, 0.00017%; no homozygotes.

Submission:

Labcorp Genetics (formerly Invitae), Labcorp
Classification: Uncertain significance. Last evaluated: 2022-12-24. Review status: criteria provided, single submitter. Criteria: Invitae Variant Classification Sherloc (09022015). Collection method: clinical testing. Allele origin: germline.
Comment: In summary, the available evidence is currently insufficient to determine the role of this variant in disease. Therefore, it has been classified as a Variant of Uncertain Significance. Algorithms developed to predict the effect of missense changes on protein structure and function output the following: SIFT: "Tolerated"; PolyPhen-2: "Benign"; Align-GVGD: "Class C0". The histidine amino acid residue is found in multiple mammalian species, which suggests that this missense change does not adversely affect protein function. This variant has not been reported in the literature in individuals affected with VCAN-related conditions. This variant is present in population databases (rs766439672, gnomAD 0.0009%). This sequence change replaces tyrosine, which is neutral and polar, with histidine, which is basic and polar, at codon 1140 of the VCAN protein (p.Tyr1140His).

NM_004385.5(VCAN):c.3418T>C (p.Tyr1140His)

Gene: VCAN (versican; plus strand). Cytogenetic location: 5q14.3.
Variant type: single nucleotide variant.
Coding change: c.3418T>C on transcript NM_004385.5 (MANE Select); coding-DNA position 3418, T replaced by C.
Protein change: p.Tyr1140His; replaces tyrosine 1140 with histidine.
Molecular consequence: missense variant. On other transcripts: intron variant (2).
Genome position (GRCh38, 1-based): chr5:83,521,724, T>C. VCF-style: chr5-83521724-T-C. GRCh37 (hg19) VCF-style: chr5-82817543-T-C.
Other names: c.3418T>C, p.Tyr1140His (NM_001164098.2); c.1042+9328T>C (NM_001164097.2, NM_001126336.3); short protein forms Y1140H.
Identifiers: ClinVar variation 2783272 (VCV002783272.3), dbSNP rs766439672, ClinGen allele CA3333005.